The following is an entry in ClinVar:

ClinVar aggregate classification (germline): Uncertain significance (1 of 4 stars; one submission).

Conditions:
Immunodeficiency. Identifiers: MedGen C0021051, MONDO:0021094, HP:0002721.

Allele frequency attached by ClinVar (database versions not stated): gnomAD 0.00001; gnomAD exomes 0.00001; TOPMed 0.00001.
gnomAD v4.1: 12 of 1,614,060 alleles (0.00074%); highest among the groups gnomAD compares: Middle Eastern, 0.016%; no homozygotes.

Submission:

Labcorp Genetics (formerly Invitae), Labcorp
Classification: Uncertain significance for Immunodeficiency. Last evaluated: 2025-06-01. Review status: criteria provided, single submitter. Criteria: Invitae Variant Classification Sherloc (09022015). Collection method: clinical testing. Allele origin: germline.
Comment: This sequence change replaces serine, which is neutral and polar, with proline, which is neutral and non-polar, at codon 1098 of the NFAT5 protein (p.Ser1098Pro). This variant is present in population databases (no rsID available, gnomAD 0.006%). This variant has not been reported in the literature in individuals affected with NFAT5-related conditions. ClinVar contains an entry for this variant (Variation ID: 954702). An algorithm developed to predict the effect of missense changes on protein structure and function outputs the following: PolyPhen-2: "Benign". The proline amino acid residue is found in multiple mammalian species, which suggests that this missense change does not adversely affect protein function. In summary, the available evidence is currently insufficient to determine the role of this variant in disease. Therefore, it has been classified as a Variant of Uncertain Significance.

NM_138713.4(NFAT5):c.3574T>C (p.Ser1192Pro)

Gene: NFAT5 (nuclear factor of activated T cells 5; plus strand). Cytogenetic location: 16q22.1.
Variant type: single nucleotide variant.
Coding change: c.3574T>C on transcript NM_138713.4 (MANE Select); coding-DNA position 3574, T replaced by C.
Protein change: p.Ser1192Pro; replaces serine 1192 with proline.
Molecular consequence: missense variant.
Genome position (GRCh38, 1-based): chr16:69,693,399, T>C. VCF-style: chr16-69693399-T-C. GRCh37 (hg19) VCF-style: chr16-69727302-T-C.
Other names: c.3571T>C, p.Ser1191Pro (NM_001113178.3); c.2899T>C, p.Ser967Pro (NM_001367709.1); c.3520T>C, p.Ser1174Pro (NM_006599.4); c.3292T>C, p.Ser1098Pro (NM_138714.4, NM_173214.3, NM_173215.3); short protein forms S1191P, S1098P, S1174P, S1192P, S967P.
Identifiers: ClinVar variation 954702 (VCV000954702.9), dbSNP rs937802712, ClinGen allele CA283374328.